The following is an entry in ClinVar:

ClinVar aggregate classification (germline): Benign. Review status: criteria provided, multiple submitters, no conflicts (2 of 4 stars). 7 submissions from 7 submitters: Benign (3). 4 of the submissions do not count toward it. Last evaluated 2018-03-13.

Conditions:
ABCB1-related disorder. Also called: ABCB1-related condition.
Inflammatory bowel disease 13 (IBD13). Also called: Inflammatory bowel disease 13, susceptibility to. Identifiers: MedGen C2677101, MONDO:0012831, OMIM 612244.
Epilepsy. Also called: Seizure disorder. Identifiers: MedGen C0014544, MeSH D004827, MONDO:0005027.
Tramadol response. Also called: Ultram response. Identifiers: MedGen CN078023.

Allele frequency attached by ClinVar (database versions not stated): TOPMed 0.67933; 1000 Genomes Project 0.61701; 1000 Genomes Project 30x 0.63054; ESP Exome Variant Server 0.67807.
gnomAD v4.1: 884,204 of 1,611,172 alleles (55%); highest among the groups gnomAD compares: African/African-American, 92%; 250,710 homozygotes.

Submissions (7):

GeneDx
Classification: Benign. Last evaluated: 2018-03-13. Review status: criteria provided, single submitter. Criteria: GeneDx Variant Classification (06012015). Collection method: clinical testing. Allele origin: germline. Affected: yes.
Comment: This variant is considered likely benign or benign based on one or more of the following criteria: it is a conservative change, it occurs at a poorly conserved position in the protein, it is predicted to be benign by multiple in silico algorithms, and/or has population frequency not consistent with disease.

Eurofins Ntd Llc (ga)
Classification: Benign. Last evaluated: 2014-01-27. Review status: criteria provided, single submitter. Criteria: EGL Classification Definitions 2015. Collection method: clinical testing. Allele origin: germline. Observed: 1 variant allele, 1 heterozygote.

Breakthrough Genomics
Classification: Benign. Review status: criteria provided, single submitter. Criteria: ACMG Guidelines, 2015. Collection method: not provided. Allele origin: germline. Inheritance: Unknown mechanism. Affected: yes.

PreventionGenetics, part of Exact Sciences
Classification: Likely benign for ABCB1-related condition. Last evaluated: 2021-07-21. Review status: no assertion criteria provided. Collection method: clinical testing. Allele origin: germline. Not counted in ClinVar's aggregate classification.
Comment: This variant is classified as likely benign based on ACMG/AMP sequence variant interpretation guidelines (Richards et al. 2015 PMID: 25741868, with internal and published modifications).

School of Pharmacy, The University of Jordan
Classification: Benign for Epilepsy. Last evaluated: 2020-01-01. Review status: no assertion criteria provided. Collection method: case-control. Allele origin: germline. Affected: yes. Not counted in ClinVar's aggregate classification.
Comment: The ABCB1 G2677T/A (rs2032582) variant has been reported in two previous studies that verified the effect of G2677T/A polymorphism on epilepsy vulnerability. The first study was conducted among Han Chinese people, and its results revealed that the frequency of ABCB1 c.2677G>T genotypes did not differ significantly between the two study groups, infantile spasm cases, and healthy volunteers(Dong et al., 2011). The second one was done among the Caucasian population and showed that G allele carriers in young epileptics were more likely to develop epilepsy compared with healthy participants(Ufer et al., 2009). Our study revealed no significant difference in G2677T/A (rs2032582) allelic and genotypic frequencies between epileptic cases and healthy volunteers.

Bruce Budowle Laboratory, University of North Texas Health Science Center
Classification: drug response for Tramadol response. Last evaluated: 2018-04-28. Review status: no assertion criteria provided. Collection method: research. Allele origin: somatic. Affected: yes. Observed: 197 variant alleles. Not counted in ClinVar's aggregate classification.

OMIM
Classification: risk factor for INFLAMMATORY BOWEL DISEASE 13, SUSCEPTIBILITY TO. Last evaluated: 2003-12-01. Review status: no assertion criteria provided. Collection method: literature only. Allele origin: germline. Not counted in ClinVar's aggregate classification.

Literature cited by the submitters: PubMed 22033938 (cited by School of Pharmacy, The University of Jordan); PubMed 19415824 (cited by School of Pharmacy, The University of Jordan); PubMed 14610718 (cited by OMIM).

NM_001348946.2(ABCB1):c.2677T>G (p.Ser893Ala)

Gene: ABCB1 (ATP binding cassette subfamily B member 1; minus strand). Cytogenetic location: 7q21.12.
Variant type: single nucleotide variant.
Coding change: c.2677T>G on transcript NM_001348946.2 (MANE Select); coding-DNA position 2677, T replaced by G.
Protein change: p.Ser893Ala; replaces serine 893 with alanine.
Molecular consequence: missense variant.
Genome position (GRCh38, 1-based): chr7:87,531,302, A>C on the plus strand (T>G on the coding strand, the complement: ABCB1 is on the minus strand). VCF-style: chr7-87531302-A-C. GRCh37 (hg19) VCF-style: chr7-87160618-A-C.
Other names: c.2677T>G, p.Ser893Ala (NM_000927.5, NM_001348944.2); c.2887T>G, p.Ser963Ala (NM_001348945.2); short protein forms S893A, S963A.
Identifiers: ClinVar variation 166622 (VCV000166622.13), dbSNP rs2032582, ClinGen allele CA179699.